The following is an entry in ClinVar:

NM_024876.4(COQ8B):c.97C>T (p.Arg33Cys)

Gene: COQ8B (coenzyme Q8B; minus strand). Cytogenetic location: 19q13.2.
Variant type: single nucleotide variant.
Coding change: c.97C>T on transcript NM_024876.4 (MANE Select); coding-DNA position 97, C replaced by T.
Protein change: p.Arg33Cys; replaces arginine 33 with cysteine.
Molecular consequence: missense variant.
Genome position (GRCh38, 1-based): chr19:40,714,536, G>A on the plus strand (C>T on the coding strand, the complement: COQ8B is on the minus strand). VCF-style: chr19-40714536-G-A. GRCh37 (hg19) VCF-style: chr19-41220441-G-A.
Other names: c.97C>T, p.Arg33Cys (NM_001142555.3); short protein forms R33C.
Identifiers: ClinVar variation 1962717 (VCV001962717.5), dbSNP rs574818158, ClinGen allele CA9450553.

ClinVar aggregate classification (germline): Uncertain significance (1 of 4 stars; one submission).

Allele frequency attached by ClinVar (database versions not stated): ExAC 0.00001; gnomAD 0.00001; 1000 Genomes Project 30x 0.00016; 1000 Genomes Project 0.00020.
gnomAD v4.1: 6 of 1,613,620 alleles (0.00037%); highest among the groups gnomAD compares: African/African-American, 0.0053%; no homozygotes.

Submission:

Labcorp Genetics (formerly Invitae), Labcorp
Classification: Uncertain significance. Last evaluated: 2022-03-08. Review status: criteria provided, single submitter. Criteria: Invitae Variant Classification Sherloc (09022015). Collection method: clinical testing. Allele origin: germline.
Comment: This sequence change replaces arginine, which is basic and polar, with cysteine, which is neutral and slightly polar, at codon 33 of the COQ8B protein (p.Arg33Cys). This variant is present in population databases (rs574818158, gnomAD 0.007%). This variant has not been reported in the literature in individuals affected with COQ8B-related conditions. Advanced modeling of protein sequence and biophysical properties (such as structural, functional, and spatial information, amino acid conservation, physicochemical variation, residue mobility, and thermodynamic stability) performed at Invitae indicates that this missense variant is not expected to disrupt COQ8B protein function. In summary, the available evidence is currently insufficient to determine the role of this variant in disease. Therefore, it has been classified as a Variant of Uncertain Significance.